The following is an entry in ClinVar:

NM_001366207.1(DLG1):c.2400T>C (p.Ser800=)

Gene: DLG1 (discs large MAGUK scaffold protein 1; minus strand). Cytogenetic location: 3q29.
Variant type: single nucleotide variant.
Coding change: c.2400T>C on transcript NM_001366207.1 (MANE Select); coding-DNA position 2400, T replaced by C.
Protein change: p.Ser800=; no amino-acid change (serine 800 retained).
Molecular consequence: synonymous variant. On other transcripts: non-coding transcript variant (4).
Genome position (GRCh38, 1-based): chr3:197,059,972, A>G on the plus strand (T>C on the coding strand, the complement: DLG1 is on the minus strand). VCF-style: chr3-197059972-A-G. GRCh37 (hg19) VCF-style: chr3-196786843-A-G.
Other names: c.2433T>C, p.Ser811= (NM_001098424.1, NM_001290983.2, NM_001366218.1); c.2397T>C, p.Ser799= (NM_001204386.1, NM_001366205.1, NM_001366213.1); c.2121T>C, p.Ser707= (NM_001204387.2); c.2085T>C, p.Ser695= (NM_001204388.2); c.2400T>C, p.Ser800= (NM_001363865.1, NM_001366210.1, NM_001366215.1); c.2316T>C, p.Ser772= (NM_001366203.1); c.2334T>C, p.Ser778= (NM_001366204.1, NM_001366208.1, NM_001366209.1 and 1 more transcripts); c.2346T>C, p.Ser782= (NM_001366206.1); and 7 more.
Identifiers: ClinVar variation 3352207 (VCV003352207.1).
Genomic context (GRCh38, chr3:197,059,972, plus strand): 5'-TTTAATAAAAATGGAGATAGGGTAAAGCTGTGCAATCTGTAATCTCTTTATGGCATTTCC[A>G]GACACATCAAGGATACAGTGTTTGCCCTAAAATAAAGGGAACAAAGAAAAAAAACAAGTG-3'
Protein context (NP_001353136.1, residues 790-810): EKGKHCILDV[Ser800=]GNAIKRLQIA

ClinVar aggregate classification (germline): Likely benign (0 of 4 stars; one submission).

Conditions:
DLG1-related disorder. Also called: DLG1-related condition.

gnomAD v4.1: 424 of 1,613,796 alleles (0.026%); highest among the groups gnomAD compares: South Asian, 0.45%; 7 homozygotes.

Submission:

PreventionGenetics, part of Exact Sciences
Classification: Likely benign for DLG1-related condition. Last evaluated: 2024-04-04. Review status: no assertion criteria provided. Collection method: clinical testing. Allele origin: germline.
Comment: This variant is classified as likely benign based on ACMG/AMP sequence variant interpretation guidelines (Richards et al. 2015 PMID: 25741868, with internal and published modifications).